The following is an entry in ClinVar:

NM_182760.4(SUMF1):c.*398C>T

Gene: SUMF1 (sulfatase modifying factor 1; minus strand). Cytogenetic location: 3p26.1.
Variant type: single nucleotide variant.
Coding change: c.*398C>T on transcript NM_182760.4 (MANE Select); 398 bases downstream of the stop codon, C replaced by T.
Molecular consequence: 3 prime UTR variant.
Genome position (GRCh38, 1-based): chr3:4,361,746, G>A on the plus strand (C>T on the coding strand, the complement: SUMF1 is on the minus strand). VCF-style: chr3-4361746-G-A. GRCh37 (hg19) VCF-style: chr3-4403430-G-A.
Other names: c.*398C>T (NM_001164674.2, NM_001164675.2).
Identifiers: ClinVar variation 345306 (VCV000345306.6), dbSNP rs116909525, ClinGen allele CA10618788.

ClinVar aggregate classification (germline): Benign. Review status: criteria provided, multiple submitters, no conflicts (2 of 4 stars). 2 submissions from 2 submitters: Benign (2). Last evaluated 2018-01-13.

Conditions:
Multiple sulfatase deficiency (MSD). Also called: Mucosulfatidosis; Multiple Sulfatase Deficiency Disease; Sulfatidosis, Juvenile, Austin Type. Identifiers: Orphanet 585, MedGen C0268263, MONDO:0010088, OMIM 272200.

Allele frequency attached by ClinVar (database versions not stated): gnomAD 0.00111 and 0.00143; TOPMed 0.00158; gnomAD exomes 0.00189; 1000 Genomes Project 30x 0.00671; 1000 Genomes Project 0.00739.
gnomAD v4.1: 393 of 247,476 alleles (0.16%); highest among the groups gnomAD compares: East Asian, 3.5%; 8 homozygotes.

Submissions (2):

Illumina Laboratory Services, Illumina
Classification: Benign for Multiple sulfatase deficiency. Last evaluated: 2018-01-13. Review status: criteria provided, single submitter. Criteria: ICSL Variant Classification Criteria 13 December 2019. Collection method: clinical testing. Allele origin: germline.
Comment: This variant was observed in the ICSL laboratory as part of a predisposition screen in an ostensibly healthy population. It had not been previously curated by ICSL or reported in the Human Gene Mutation Database (HGMD: prior to June 1st, 2018), and was therefore a candidate for classification through an automated scoring system. Utilizing variant allele frequency, disease prevalence and penetrance estimates, and inheritance mode, an automated score was calculated to assess if this variant is too frequent to cause the disease. Based on the score and internal cut-off values, a variant classified as benign is not then subjected to further curation. The score for this variant resulted in a classification of benign for this disease.

Breakthrough Genomics
Classification: Benign. Review status: criteria provided, single submitter. Criteria: ACMG Guidelines, 2015. Collection method: not provided. Allele origin: germline. Inheritance: Autosomal recessive inheritance. Affected: yes.